The following is an entry in ClinVar:

ClinVar aggregate classification (germline): Uncertain significance. Review status: criteria provided, multiple submitters, no conflicts (2 of 4 stars). 2 submissions from 2 submitters: Uncertain significance (2). Last evaluated 2025-11-21.

Allele frequency attached by ClinVar (database versions not stated): ExAC 0.00005; gnomAD exomes 0.00006 and 0.00012; gnomAD 0.00008 and 0.00009; TOPMed 0.00008.

Submissions (2):

Labcorp Genetics (formerly Invitae), Labcorp
Classification: Uncertain significance. Last evaluated: 2025-11-21. Review status: criteria provided, single submitter. Criteria: Invitae Variant Classification Sherloc (09022015). Collection method: clinical testing. Allele origin: germline.
Comment: This sequence change replaces aspartic acid, which is acidic and polar, with asparagine, which is neutral and polar, at codon 205 of the RELB protein (p.Asp205Asn). This variant is present in population databases (rs761385917, gnomAD 0.01%). This variant has not been reported in the literature in individuals affected with RELB-related conditions. ClinVar contains an entry for this variant (Variation ID: 1363291). An algorithm developed to predict the effect of missense changes on protein structure and function (PolyPhen-2) suggests that this variant is likely to be tolerated. In summary, the available evidence is currently insufficient to determine the role of this variant in disease. Therefore, it has been classified as a Variant of Uncertain Significance.

Ambry Genetics
Classification: Uncertain significance. Last evaluated: 2024-10-17. Review status: criteria provided, single submitter. Criteria: Ambry Variant Classification Scheme 2023. Collection method: clinical testing. Allele origin: germline.

NM_006509.4(RELB):c.613G>A (p.Asp205Asn)

Gene: RELB (RELB proto-oncogene, NF-kB subunit; plus strand). Cytogenetic location: 19q13.32.
Variant type: single nucleotide variant.
Coding change: c.613G>A on transcript NM_006509.4 (MANE Select); coding-DNA position 613, G replaced by A.
Protein change: p.Asp205Asn; replaces aspartic acid 205 with asparagine.
Molecular consequence: missense variant.
Genome position (GRCh38, 1-based): chr19:45,022,161, G>A. VCF-style: chr19-45022161-G-A. GRCh37 (hg19) VCF-style: chr19-45525419-G-A.
Other names: c.613G>A (NM_006509.3); short protein forms D205N.
Identifiers: ClinVar variation 1363291 (VCV001363291.10), dbSNP rs761385917, ClinGen allele CA9507595.
Genomic context (GRCh38, chr19:45,022,161, plus strand): 5'-GTGTGGAAGGACTGGCCTCACCGAGTCCACCCCCACAGCCTCGTGGGGAAAGACTGCACC[G>A]ACGGCATCTGCAGGGTGCGGCTCCGGCCTCACGTCAGCCCCCGGCACAGGTACCCACCCC-3'
Protein context (NP_006500.2, residues 195-215): PHSLVGKDCT[Asp205Asn]GICRVRLRPH